The following is an entry in ClinVar:

ClinVar aggregate classification (germline): Pathogenic (1 of 4 stars; one submission).

Conditions:
Retinoblastoma (RB1). Also called: RETINOBLASTOMA, SOMATIC. Identifiers: Orphanet 790, MedGen C0035335, MeSH D012175, MONDO:0008380, OMIM 180200, HP:0009919. Disease mechanism: loss of function. Inheritance: Both sporadic and heritable forms are tested..

Submission:

Labcorp Genetics (formerly Invitae), Labcorp
Classification: Pathogenic for Retinoblastoma. Last evaluated: 2021-01-25. Review status: criteria provided, single submitter. Criteria: Invitae Variant Classification Sherloc (09022015). Collection method: clinical testing. Allele origin: germline.
Comment: This sequence change creates a premature translational stop signal (p.Leu676*) in the RB1 gene. It is expected to result in an absent or disrupted protein product. Loss-of-function variants in RB1 are known to be pathogenic (PMID: 17096365). This variant is not present in population databases (ExAC no frequency). This variant has not been reported in the literature in individuals with RB1-related conditions. For these reasons, this variant has been classified as Pathogenic.

Literature cited by the submitters: PubMed 17096365.

NM_000321.3(RB1):c.2027T>A (p.Leu676Ter)

Gene: RB1 (RB transcriptional corepressor 1; plus strand). Cytogenetic location: 13q14.2.
Variant type: single nucleotide variant.
Coding change: c.2027T>A on transcript NM_000321.3 (MANE Select); coding-DNA position 2027, T replaced by A.
Protein change: p.Leu676Ter; replaces leucine 676 with a stop codon.
Molecular consequence: nonsense.
Genome position (GRCh38, 1-based): chr13:48,459,754, T>A. VCF-style: chr13-48459754-T-A. GRCh37 (hg19) VCF-style: chr13-49033890-T-A.
Other names: short protein forms L676*.
Identifiers: ClinVar variation 1424883 (VCV001424883.6), dbSNP rs1566235448, ClinGen allele CA388166794.